The following is an entry in ClinVar:

ClinVar aggregate classification (germline): Conflicting classifications of pathogenicity. Review status: criteria provided, conflicting classifications (1 of 4 stars). 16 submissions from 14 submitters: Uncertain significance (7); Likely benign (3). 6 of the submissions do not count toward it. Last evaluated 2026-06-18.

Conditions:
GJB2-related disorder. Also called: GJB2-related condition; GJB2-related disorders. Identifiers: MedGen CN382183, MONDO:1060236.
Hearing loss. Identifiers: MedGen C3887873.
Sensorineural hearing loss disorder. Also called: Sensorineural hearing impairment; Sensorineural Deafness; Sensorineural hearing loss. Identifiers: MedGen C0018784, MeSH D006319, MONDO:0020678, HP:0000407.
Ichthyosis, hystrix-like, with hearing loss. Also called: Hystrix-like ichthyosis with deafness. Identifiers: Orphanet 477, MedGen C1865234, MONDO:0011245.
Autosomal recessive nonsyndromic hearing loss 1A (DFNB1A). Also called: GJB2-Related Autosomal Recessive Nonsyndromic Hearing Loss; GJB6-Related DFNB 1 Nonsyndromic Hearing Loss and Deafness; Connexin 26 deafness; Deafness nonsyndromic, Connexin 26 linked; Nonsyndromic Hearing Loss and Deafness, DFNB1; Deafness, autosomal recessive 1A. Identifiers: Orphanet 90636, MedGen C2673759, MONDO:0009076, OMIM 220290.
Autosomal dominant nonsyndromic hearing loss 3A. Identifiers: Orphanet 90635, MedGen C2675750, MONDO:0011103, OMIM 601544.

Allele frequency attached by ClinVar (database versions not stated): ExAC 0.00010; gnomAD 0.00015 and 0.00016; 1000 Genomes Project 30x 0.00016; TOPMed 0.00018; 1000 Genomes Project 0.00020; ESP Exome Variant Server 0.00023.

Submissions (16):

PreventionGenetics, part of Exact Sciences
Classification: Uncertain significance for GJB2-related condition. Last evaluated: 2026-06-18. Review status: criteria provided, single submitter. Criteria: ACMG Guidelines, 2015. Collection method: clinical testing. Allele origin: germline.
Comment: The GJB2 c.355G>A variant is predicted to result in the amino acid substitution p.Glu119Lys. This variant has been reported in the heterozygous state in individuals with hearing loss (see, for example: Wu et al. 2002. PubMed ID: 12172394; Azaiez et al. 2004. PubMed ID: 15365987; Putcha et al. 2007. PubMed ID: 17666888). This variant is reported in 0.017% of alleles in individuals of European (non-Finnish) descent in gnomAD. However, in gnomAD v4 (available only on GRCh38), this variant is reported in 390 alleles globally, which is likely too common for a highly penetrant pathogenic variant. At this time, the clinical significance of this variant is uncertain due to the absence of conclusive functional and genetic evidence.

GeneDx
Classification: Uncertain significance. Last evaluated: 2025-09-19. Review status: criteria provided, single submitter. Criteria: GeneDx Variant Classification Process June 2021. Collection method: clinical testing. Allele origin: germline. Affected: yes.
Comment: Observed as heterozygous with no other GJB2 variants in patients with hearing loss in published literature (PMID: 12172394, 15365987, 15656949); In silico analysis suggests that this missense variant does not alter protein structure/function; This variant is associated with the following publications: (PMID: 15365987, 25087612, 15656949, 17666888, 36048236, 12172394, 27153395, 25388846)

Blueprint Genetics
Classification: Uncertain significance. Last evaluated: 2024-10-24. Review status: criteria provided, single submitter. Criteria: ACMG Guidelines, 2015. Collection method: clinical testing. Allele origin: germline.

Labcorp Genetics (formerly Invitae), Labcorp
Classification: Uncertain significance. Last evaluated: 2024-02-29. Review status: criteria provided, single submitter. Criteria: Invitae Variant Classification Sherloc (09022015). Collection method: clinical testing. Allele origin: germline.
Comment: This sequence change replaces glutamic acid, which is acidic and polar, with lysine, which is basic and polar, at codon 119 of the GJB2 protein (p.Glu119Lys). This variant is present in population databases (rs150529554, gnomAD 0.02%). This missense change has been observed in individual(s) with deafness (PMID: 15365987, 15656949, 17666888; MID: 12172394). ClinVar contains an entry for this variant (Variation ID: 188488). Advanced modeling of protein sequence and biophysical properties (such as structural, functional, and spatial information, amino acid conservation, physicochemical variation, residue mobility, and thermodynamic stability) performed at Invitae indicates that this missense variant is expected to disrupt GJB2 protein function with a positive predictive value of 80%. In summary, the available evidence is currently insufficient to determine the role of this variant in disease. Therefore, it has been classified as a Variant of Uncertain Significance.

Victorian Clinical Genetics Services, Murdoch Childrens Research Institute
Classification: Uncertain significance for Autosomal recessive nonsyndromic hearing loss 1A. Last evaluated: 2023-07-17. Review status: criteria provided, single submitter. Criteria: ACMG Guidelines, 2015. Collection method: clinical testing. Allele origin: germline. Inheritance: Autosomal recessive inheritance. Affected: yes.
Comment: Based on the classification scheme VCGS_Germline_v1.3.4, this variant is classified as VUS-3B. Following criteria are met: 0102 - Loss of function is a known mechanism of disease in this gene and is associated with both deafness and skin conditions (OMIM). Dominant negative is also a suggested mechanism (PMID: 28428247). (I) 0108 - This gene is associated with both recessive and dominant disease. The autosomal dominant diseases are commonly associated with pathogenic missense variants. The autosomal recessive disease is associated with bi-allelic loss-of-function variants and includes missense and protein truncating variants (NIH Genetics Home Reference, PMID: 12792423). (I) 0112 - The condition associated with this gene has incomplete penetrance (PMID:31160754). (I) 0115 - Variants in this gene are known to have variable expressivity. Severity can range from mild to profound with intrafamilial variability also commonly seen. Commonly, truncating variants are associated to a more severe hearing loss (PMID: 20301449). (I) 0200 - Variant is predicted to result in a missense amino acid change from glutamic acid to lysine. (I) 0251 - This variant is heterozygous. (I) 0304 - Variant is present in gnomAD v2 <0.01 (28 heterozygotes, 0 homozygotes). (SP) 0502 - Missense variant with conflicting in silico predictions and uninformative conservation. (I) 0600 - Variant is located in the annotated connexin domain (DECIPHER). (I) 0705 - No comparable missense variants have previous evidence for pathogenicity. (I) 0808 - Previous reports of pathogenicity for this variant are conflicting. This variant was identified in greater than 5 unrelated individuals with hearing loss, however no second variant was identified. This variant has been classified as pathogenic in the Deafness Variation Database. (PMID:17666888, PMID:12172394, PMID:15365987, ClinVar). (I) 0905 - No published segregation evidence has been identified for this variant. (I) 1007 - No published functional evidence has been identified for this variant. (I) 1208 - Inheritance information for this variant is not currently available in this individual. (I) Legend: (SP) - Supporting pathogenic, (I) - Information, (SB) - Supporting benign

Athena Diagnostics
Classification: Uncertain significance. Last evaluated: 2020-03-31. Review status: criteria provided, single submitter. Criteria: Athena Diagnostics Criteria. Collection method: clinical testing. Allele origin: unknown.

ARUP Laboratories, Molecular Genetics and Genomics, ARUP Laboratories
Classification: Uncertain significance. Last evaluated: 2018-07-01. Review status: criteria provided, single submitter. Criteria: ARUP Molecular Germline Variant Investigation Process. Collection method: clinical testing. Allele origin: germline.
Comment: The c.355G>A; p.Glu119Lys variant (rs150529554) was previously identified in patients with sensorineural hearing loss, but its pathogenicity could not be ascertained and an accompanying pathogenic GJB2 variant could not be identified (Jaradat 2016, Putcha 2007, Wu 2002). It is reported as likely benign in ClinVar (Variation ID: 188488) and is observed in the general population at an overall frequency of 0.009% (25/275896 alleles) in the Genome Aggregation Database. The glutamate at residue 119 is moderately conserved, but computational algorithms (PolyPhen-2, SIFT) predict that this variant is tolerated. Due to limited information regarding this variant, its clinical significance cannot be determined with certainty. References: Jaradat S et al. Molecular analysis of the GJB2 gene in Iraqi patients with sensorineural non-syndromic hearing loss. J Med J. J Med J 2016;50 (3):145- 155. Putcha G et al. A multicenter study of the frequency and distribution of GJB2 and GJB6 mutations in a large North American cohort. Genet Med. 2007;9(7):413-26. Wu B et al. Effectiveness of sequencing connexin 26 (GJB2) in cases of familial or sporadic childhood deafness referred for molecular diagnostic testing. Genet Med. 2002;4(4):279-88.

Illumina Laboratory Services, Illumina
Classification: Likely benign for Autosomal dominant nonsyndromic hearing loss 3A. Last evaluated: 2017-04-27. Review status: criteria provided, single submitter. Criteria: ICSL Variant Classification Criteria 13 December 2019. Collection method: clinical testing. Allele origin: germline.
Comment: This variant was observed as part of a predisposition screen in an ostensibly healthy population. A literature search was performed for the gene, cDNA change, and amino acid change (where applicable). No publications were found based on this search. Allele frequency data from public databases allowed determination this variant is unlikely to cause disease. Therefore, this variant is classified as likely benign.

Illumina Laboratory Services, Illumina
Classification: Likely benign for Autosomal dominant keratitis-ichthyosis-hearing loss syndrome. Last evaluated: 2017-04-27. Review status: criteria provided, single submitter. Criteria: ICSL Variant Classification Criteria 13 December 2019. Collection method: clinical testing. Allele origin: germline.
Comment: the same text as in the submission from Illumina Laboratory Services, Illumina above.

Illumina Laboratory Services, Illumina
Classification: Likely benign for Autosomal recessive nonsyndromic hearing loss 1A. Last evaluated: 2017-04-27. Review status: criteria provided, single submitter. Criteria: ICSL Variant Classification Criteria 13 December 2019. Collection method: clinical testing. Allele origin: germline.
Comment: the same text as in the submission from Illumina Laboratory Services, Illumina above.

Natera, Inc.
Classification: Uncertain significance for Autosomal recessive deafness type 1A. Last evaluated: 2020-09-11. Review status: no assertion criteria provided. Collection method: clinical testing. Allele origin: germline. Not counted in ClinVar's aggregate classification.

Molecular Genetics Laboratory, BC Children's and BC Women's Hospitals
Classification: Uncertain significance for SENSORINEURAL HEARING LOSS. Last evaluated: 2019-01-10. Review status: no assertion criteria provided. Criteria: ACMG Guidelines, 2015; ACMG/AMP HL guidelines, 2018. Collection method: clinical testing. Allele origin: germline. Affected: yes. Not counted in ClinVar's aggregate classification.

Clinical Molecular Genetics Laboratory, Johns Hopkins All Children's Hospital
Classification: Uncertain significance for Hearing loss. Last evaluated: 2017-04-18. Review status: no assertion criteria provided. Collection method: clinical testing. Allele origin: germline. Affected: yes. Not counted in ClinVar's aggregate classification.

Diagnostic Laboratory, Department of Genetics, University Medical Center Groningen
Classification: Uncertain significance. Review status: no assertion criteria provided. Collection method: clinical testing. Allele origin: germline. Affected: yes. Study: VKGL Data-share Consensus. Not counted in ClinVar's aggregate classification.

Genome Diagnostics Laboratory, Amsterdam University Medical Center
Classification: Uncertain significance. Review status: no assertion criteria provided. Collection method: clinical testing. Allele origin: germline. Affected: yes. Study: VKGL Data-share Consensus. Not counted in ClinVar's aggregate classification.

Joint Genome Diagnostic Labs from Nijmegen and Maastricht, Radboudumc and MUMC+
Classification: Uncertain significance. Review status: no assertion criteria provided. Collection method: clinical testing. Allele origin: germline. Affected: yes. Study: VKGL Data-share Consensus. Not counted in ClinVar's aggregate classification.

Literature cited by the submitters: PubMed 15365987 (cited by 3 submitters); PubMed 15656949 (cited by Labcorp Genetics (formerly Invitae), Labcorp and Athena Diagnostics); PubMed 17666888 (cited by 3 submitters); PubMed 12172394 (cited by Victorian Clinical Genetics Services, Murdoch Childrens Research Institute and Athena Diagnostics); PubMed 12792423 (cited by Victorian Clinical Genetics Services, Murdoch Childrens Research Institute); PubMed 28428247 (cited by Victorian Clinical Genetics Services, Murdoch Childrens Research Institute); PubMed 31160754 (cited by Victorian Clinical Genetics Services, Murdoch Childrens Research Institute); PubMed 20301449 (cited by Victorian Clinical Genetics Services, Murdoch Childrens Research Institute); PubMed 27153395 (cited by Athena Diagnostics); PubMed 25388846 (cited by Athena Diagnostics).

NM_004004.6(GJB2):c.355G>A (p.Glu119Lys)

Gene: GJB2 (gap junction protein beta 2; minus strand). Cytogenetic location: 13q12.11.
Variant type: single nucleotide variant.
Coding change: c.355G>A on transcript NM_004004.6 (MANE Select); coding-DNA position 355, G replaced by A.
Protein change: p.Glu119Lys; replaces glutamic acid 119 with lysine.
Molecular consequence: missense variant.
Genome position (GRCh38, 1-based): chr13:20,189,227, C>T on the plus strand (G>A on the coding strand, the complement: GJB2 is on the minus strand). VCF-style: chr13-20189227-C-T. GRCh37 (hg19) VCF-style: chr13-20763366-C-T.
Other names: short protein forms E119K.
Identifiers: ClinVar variation 188488 (VCV000188488.32), dbSNP rs150529554, ClinGen allele CA273833.